The following is an entry in ClinVar:

ClinVar aggregate classification (germline): Benign (1 of 4 stars; one submission).

Allele frequency attached by ClinVar (database versions not stated): 1000 Genomes Project 0.57788; 1000 Genomes Project 30x 0.58620; gnomAD 0.61834 and 0.63193; TOPMed 0.63081.
gnomAD v4.1: 93,848 of 152,056 alleles (62%); highest among the groups gnomAD compares: African/African-American, 81%; 30,272 homozygotes.

Submission:

GeneDx
Classification: Benign. Last evaluated: 2018-06-14. Review status: criteria provided, single submitter. Criteria: GeneDx Variant Classification (06012015). Collection method: clinical testing. Allele origin: germline. Affected: yes.
Comment: This variant is considered likely benign or benign based on one or more of the following criteria: it is a conservative change, it occurs at a poorly conserved position in the protein, it is predicted to be benign by multiple in silico algorithms, and/or has population frequency not consistent with disease.

NM_000260.4(MYO7A):c.3504-311G>A

Gene: MYO7A (myosin VIIA; plus strand). Cytogenetic location: 11q13.5.
Variant type: single nucleotide variant.
Coding change: c.3504-311G>A on transcript NM_000260.4 (MANE Select); 311 bases into the intron before coding-DNA position 3504, G replaced by A.
Molecular consequence: intron variant.
Genome position (GRCh38, 1-based): chr11:77,189,033, G>A. VCF-style: chr11-77189033-G-A. GRCh37 (hg19) VCF-style: chr11-76900078-G-A.
Other names: c.3471-311G>A (NM_001369365.1); c.3504-311G>A (NM_001127180.2).
Identifiers: ClinVar variation 680668 (VCV000680668.1), dbSNP rs2186659, ClinGen allele CA13464830.